The following is an entry in ClinVar:

NM_014956.5(CEP164):c.590G>A (p.Gly197Asp)

Gene: CEP164 (centrosomal protein 164; plus strand). Cytogenetic location: 11q23.3.
Variant type: single nucleotide variant.
Coding change: c.590G>A on transcript NM_014956.5 (MANE Select); coding-DNA position 590, G replaced by A.
Protein change: p.Gly197Asp; replaces glycine 197 with aspartic acid.
Molecular consequence: missense variant.
Genome position (GRCh38, 1-based): chr11:117,362,441, G>A. VCF-style: chr11-117362441-G-A. GRCh37 (hg19) VCF-style: chr11-117233157-G-A.
Other names: c.590G>A, p.Gly197Asp (NM_001271933.2); short protein forms G197D.
Identifiers: ClinVar variation 2108751 (VCV002108751.4), dbSNP rs1565487650, ClinGen allele CA382731782.
Genomic context (GRCh38, chr11:117,362,441, plus strand): 5'-GACTGTCCTTCTCTATTTTGAAGCCTTCACAGGGTCTCAAGACCTCTGCTTATACAAAGG[G>A]TCTCTTGGGCTCCATATATGAGGACAAGACTGCTCTCAGCCTCTTGGGTTTAGGAGAAGA-3'
Protein context (NP_055771.4, residues 187-207): QGLKTSAYTK[Gly197Asp]LLGSIYEDKT

ClinVar aggregate classification (germline): Uncertain significance (1 of 4 stars; one submission).

Conditions:
Nephronophthisis 15 (NPHP15). Identifiers: Orphanet 3156, MedGen C3541853, MONDO:0013917, OMIM 614845.

Submission:

Labcorp Genetics (formerly Invitae), Labcorp
Classification: Uncertain significance for Nephronophthisis 15. Last evaluated: 2022-03-11. Review status: criteria provided, single submitter. Criteria: Invitae Variant Classification Sherloc (09022015). Collection method: clinical testing. Allele origin: germline.
Comment: In summary, the available evidence is currently insufficient to determine the role of this variant in disease. Therefore, it has been classified as a Variant of Uncertain Significance. Algorithms developed to predict the effect of missense changes on protein structure and function output the following: SIFT: "Deleterious"; PolyPhen-2: "Probably Damaging"; Align-GVGD: "Class C15". The aspartic acid amino acid residue is found in multiple mammalian species, which suggests that this missense change does not adversely affect protein function. This variant has not been reported in the literature in individuals affected with CEP164-related conditions. This variant is not present in population databases (gnomAD no frequency). This sequence change replaces glycine, which is neutral and non-polar, with aspartic acid, which is acidic and polar, at codon 197 of the CEP164 protein (p.Gly197Asp).